The following is an entry in ClinVar:

ClinVar aggregate classification (germline): Likely benign (1 of 4 stars; one submission).

Allele frequency attached by ClinVar (database versions not stated): 1000 Genomes Project 30x 0.00094; 1000 Genomes Project 0.00120; ESP Exome Variant Server 0.00285; TOPMed 0.00354; gnomAD 0.00475; ExAC 0.00522; gnomAD exomes 0.00643.
gnomAD v4.1: 9,988 of 1,611,672 alleles (0.62%); highest among the groups gnomAD compares: Non-Finnish European, 0.7%; 42 homozygotes.

Submission:

CeGaT Center for Human Genetics Tuebingen
Classification: Likely benign. Last evaluated: 2022-11-01. Review status: criteria provided, single submitter. Criteria: CeGaT Center For Human Genetics Tuebingen Variant Classification Criteria Version 2. Collection method: clinical testing. Allele origin: germline. Affected: yes. Observed: 1 variant allele.
Comment: ERICH3: BP4, BS2

NM_001002912.5(ERICH3):c.1220C>T (p.Pro407Leu)

Genes: ERICH3 (glutamate rich 3; minus strand), ERICH3-AS1 (ERICH3 antisense RNA 1; plus strand). Cytogenetic location: 1p31.1.
Variant type: single nucleotide variant.
Coding change: c.1220C>T on transcript NM_001002912.5 (MANE Select); coding-DNA position 1220, C replaced by T.
Protein change: p.Pro407Leu; replaces proline 407 with leucine.
Molecular consequence: missense variant.
Genome position (GRCh38, 1-based): chr1:74,606,870, G>A on the plus strand (C>T on the coding strand, the complement: ERICH3 is on the minus strand). VCF-style: chr1-74606870-G-A. GRCh37 (hg19) VCF-style: chr1-75072554-G-A.
Other names: short protein forms P407L.
Identifiers: ClinVar variation 2638882 (VCV002638882.24), dbSNP rs143249130, ClinGen allele CA910756.
Genomic context (GRCh38, chr1:74,606,870, plus strand): 5'-GCCTTCTTCAGTTCCTCTCCTTTCTCAGTGCTCTTTTCTTTCCTAGATTTCGGCAAAGAC[G>A]GTTTTTTGTCAAGGCCCATTGCAATAATGCACCTATGAAAAATATTAGCAGGAAGTGTTT-3'
Protein context (NP_001002912.4, residues 397-417): CIIAMGLDKK[Pro407Leu]SLPKSRKEKS